The following is an entry in ClinVar:

ClinVar aggregate classification (germline): Uncertain significance. Review status: criteria provided, multiple submitters, no conflicts (2 of 4 stars). 2 submissions from 2 submitters: Uncertain significance (2). Last evaluated 2026-07-25.

Conditions:
Tuberous sclerosis 1 (TSC1). Identifiers: Orphanet 805, MedGen C1854465, MONDO:0008612, OMIM 191100.
Hereditary cancer-predisposing syndrome. Also called: Hereditary Cancer Syndrome; Hereditary neoplastic syndrome; Neoplastic Syndromes, Hereditary; Tumor predisposition. Identifiers: Orphanet 140162, MedGen C0027672, MeSH D009386, MONDO:0015356.

Allele frequency attached by ClinVar (database versions not stated): TOPMed below 0.00001.

Submissions (2):

Ambry Genetics
Classification: Uncertain significance for Hereditary cancer-predisposing syndrome. Last evaluated: 2026-07-25. Review status: criteria provided, single submitter. Criteria: Ambry Variant Classification Scheme 2023. Collection method: clinical testing. Allele origin: germline.
Comment: The p.T1077A variant (also known as c.3229A>G), located in coding exon 21 of the TSC1 gene, results from an A to G substitution at nucleotide position 3229. The threonine at codon 1077 is replaced by alanine, an amino acid with similar properties. This amino acid position is conserved. In addition, the in silico prediction for this alteration is inconclusive. Based on the available evidence, the clinical significance of this variant remains unclear.

Labcorp Genetics (formerly Invitae), Labcorp
Classification: Uncertain significance for Tuberous sclerosis 1. Last evaluated: 2024-05-29. Review status: criteria provided, single submitter. Criteria: Invitae Variant Classification Sherloc (09022015). Collection method: clinical testing. Allele origin: germline.
Comment: This sequence change replaces threonine, which is neutral and polar, with alanine, which is neutral and non-polar, at codon 1077 of the TSC1 protein (p.Thr1077Ala). This variant is not present in population databases (gnomAD no frequency). This variant has not been reported in the literature in individuals affected with TSC1-related conditions. Advanced modeling of protein sequence and biophysical properties (such as structural, functional, and spatial information, amino acid conservation, physicochemical variation, residue mobility, and thermodynamic stability) performed at Invitae indicates that this missense variant is not expected to disrupt TSC1 protein function with a negative predictive value of 95%. In summary, the available evidence is currently insufficient to determine the role of this variant in disease. Therefore, it has been classified as a Variant of Uncertain Significance.

NM_000368.5(TSC1):c.3229A>G (p.Thr1077Ala)

Gene: TSC1 (TSC complex subunit 1; minus strand). Cytogenetic location: 9q34.13.
Variant type: single nucleotide variant.
Coding change: c.3229A>G on transcript NM_000368.5 (MANE Select); coding-DNA position 3229, A replaced by G.
Protein change: p.Thr1077Ala; replaces threonine 1077 with alanine.
Molecular consequence: missense variant. On other transcripts: non-coding transcript variant (5).
Genome position (GRCh38, 1-based): chr9:132,896,501, T>C on the plus strand (A>G on the coding strand, the complement: TSC1 is on the minus strand). VCF-style: chr9-132896501-T-C. GRCh37 (hg19) VCF-style: chr9-135771888-T-C.
Other names: c.3229A>G, p.Thr1077Ala (NM_001406595.1, NM_001406596.1, NM_001406592.1 and 2 more transcripts); c.3226A>G, p.Thr1076Ala (NM_001406597.1, NM_001406598.1, NM_001406599.1 and 2 more transcripts); c.3214A>G, p.Thr1072Ala (NM_001406601.1, NM_001406602.1); c.3211A>G, p.Thr1071Ala (NM_001406603.1, NM_001406604.1); c.3187A>G, p.Thr1063Ala (NM_001406605.1, NM_001406606.1, NM_001406607.1); c.3184A>G, p.Thr1062Ala (NM_001406608.1, NM_001406609.1); c.3076A>G, p.Thr1026Ala (NM_001406610.1, NM_001162427.2); c.3073A>G, p.Thr1025Ala (NM_001406611.1, NM_001406612.1); and 8 more; short protein forms T1062A, T759A, T956A, T1071A, T1076A, T941A, T942A, T1011A.
Identifiers: ClinVar variation 2990463 (VCV002990463.4), dbSNP rs1845057502, ClinGen allele CA375366936.